The following is an entry in ClinVar:

NM_133379.5(TTN):c.13814T>C (p.Ile4605Thr)

Gene: TTN (titin; minus strand). Cytogenetic location: 2q31.2.
Variant type: single nucleotide variant.
Coding change: c.13814T>C on transcript NM_133379.5; coding-DNA position 13814, T replaced by C.
Protein change: p.Ile4605Thr; replaces isoleucine 4605 with threonine.
Molecular consequence: missense variant. On other transcripts: intron variant (6).
Genome position (GRCh38, 1-based): chr2:178,748,586, A>G on the plus strand (T>C on the coding strand, the complement: TTN is on the minus strand). VCF-style: chr2-178748586-A-G. GRCh37 (hg19) VCF-style: chr2-179613313-A-G.
Other names: c.10222+4538T>C (NM_003319.4); c.10798+4538T>C (NM_133437.4); c.10597+4538T>C (NM_133432.3); c.10360+4538T>C (NM_133378.4, NM_001256850.1); c.11311+4538T>C (NM_001267550.2); short protein forms I4605T.
Identifiers: ClinVar variation 47762 (VCV000047762.5), dbSNP rs397517810, ClinGen allele CA141847.

ClinVar aggregate classification (germline): Uncertain significance (1 of 4 stars; one submission).

Allele frequency attached by ClinVar (database versions not stated): gnomAD exomes below 0.00001.
gnomAD v4.1: 2 of 1,613,064 alleles (0.00012%); highest among the groups gnomAD compares: Non-Finnish European, 0.00017%; no homozygotes.

Submission:

Laboratory for Molecular Medicine, Mass General Brigham Personalized Medicine
Classification: Uncertain significance. Last evaluated: 2012-10-17. Review status: criteria provided, single submitter. Criteria: LMM Criteria. Collection method: clinical testing. Allele origin: germline. Observed: 1 variant allele.
Comment: The Ile4605Thr variant in TTN has not been reported in the literature nor previo usly identified by our laboratory. Computational analyses are limited or not ava ilable. Additional information is needed to fully assess the clinical significa nce of this variant.